The following is an entry in ClinVar:

NM_015443.4(KANSL1):c.2591A>G (p.Asn864Ser)

Gene: KANSL1 (KAT8 regulatory NSL complex subunit 1). Cytogenetic location: 17q21.31.
Variant type: single nucleotide variant.
Coding change: c.2591A>G on transcript NM_015443.4 (MANE Select); coding-DNA position 2591, A replaced by G.
Protein change: p.Asn864Ser; replaces asparagine 864 with serine.
Molecular consequence: missense variant.
Genome position (GRCh38, 1-based): chr17:46,034,236, T>C on the plus strand (A>G on the coding strand, the complement: KANSL1 is on the minus strand). VCF-style: chr17-46034236-T-C. GRCh37 (hg19) VCF-style: chr17-44111602-T-C.
Other names: c.2588A>G, p.Asn863Ser (NM_001193465.2, NM_001405856.1, NM_001405857.1 and 1 more transcripts); c.2591A>G, p.Asn864Ser (NM_001193466.2, NM_001379198.1, NM_001405854.1 and 4 more transcripts); c.2489A>G, p.Asn830Ser (NM_001405859.1, NM_001405860.1); c.2486A>G, p.Asn829Ser (NM_001405861.1, NM_001405881.1); c.2402A>G, p.Asn801Ser (NM_001405875.1, NM_001405876.1, NM_001405877.1 and 1 more transcripts); c.2399A>G, p.Asn800Ser (NM_001405879.1, NM_001405880.1); c.1325A>G, p.Asn442Ser (NM_001405882.1); c.1322A>G, p.Asn441Ser (NM_001405883.1); and 2 more; short protein forms N830S, N864S, N378S, N442S, N441S, N800S, N801S, N863S.
Identifiers: ClinVar variation 3017200 (VCV003017200.3), dbSNP rs2510406895, ClinGen allele CA399989442.
Genomic context (GRCh38, chr17:46,034,236, plus strand): 5'-TCCTTGTATTGCAGTTTCTCTACGCGAGTTGTTGCAGCAACAGACATTGGGATGACAATG[T>C]TGTTAATATCAAATGAGCTCTCTCCCCTTCTCCTCCTTACTGGCTGCTGCTGTAAGATAA-3'
Protein context (NP_056258.1, residues 854-874): RRGESSFDIN[Asn864Ser]IVIPMSVAAT

ClinVar aggregate classification (germline): Uncertain significance (1 of 4 stars; one submission).

Conditions:
Koolen-de Vries syndrome (KDVS). Identifiers: Orphanet 96169, MedGen C1864871, MONDO:0012496, OMIM 610443.

Submission:

Labcorp Genetics (formerly Invitae), Labcorp
Classification: Uncertain significance for Koolen-de Vries syndrome. Last evaluated: 2023-08-17. Review status: criteria provided, single submitter. Criteria: Invitae Variant Classification Sherloc (09022015). Collection method: clinical testing. Allele origin: germline.
Comment: Advanced modeling of protein sequence and biophysical properties (such as structural, functional, and spatial information, amino acid conservation, physicochemical variation, residue mobility, and thermodynamic stability) performed at Invitae indicates that this missense variant is expected to disrupt KANSL1 protein function. This variant has not been reported in the literature in individuals affected with KANSL1-related conditions. This variant is not present in population databases (gnomAD no frequency). This sequence change replaces asparagine, which is neutral and polar, with serine, which is neutral and polar, at codon 864 of the KANSL1 protein (p.Asn864Ser). In summary, the available evidence is currently insufficient to determine the role of this variant in disease. Therefore, it has been classified as a Variant of Uncertain Significance.